The following is an entry in ClinVar:

ClinVar aggregate classification (germline): Uncertain significance (1 of 4 stars; one submission).

Conditions:
Cardiovascular phenotype. Identifiers: MedGen CN230736.

Allele frequency attached by ClinVar (database versions not stated): ExAC 0.00001; gnomAD 0.00002; TOPMed 0.00002.
gnomAD v4.1: 9 of 1,604,544 alleles (0.00056%); highest among the groups gnomAD compares: African/African-American, 0.011%; no homozygotes.

Submission:

Ambry Genetics
Classification: Uncertain significance for Cardiovascular phenotype. Last evaluated: 2020-01-03. Review status: criteria provided, single submitter. Criteria: Ambry Variant Classification Scheme 2023. Collection method: clinical testing. Allele origin: germline.
Comment: The p.V20794L variant (also known as c.62380G>C), located in coding exon 162 of the TTN gene, results from a G to C substitution at nucleotide position 62380. The valine at codon 20794 is replaced by leucine, an amino acid with highly similar properties. This amino acid position is not well conserved in available vertebrate species. In addition, this alteration is predicted to be tolerated by in silico analysis. Since supporting evidence is limited at this time, the clinical significance of this alteration remains unclear.

NM_001267550.2(TTN):c.89575G>C (p.Val29859Leu)

Genes: TTN (titin; minus strand), TTN-AS1 (TTN antisense RNA 1; plus strand). Cytogenetic location: 2q31.2.
Variant type: single nucleotide variant.
Coding change: c.89575G>C on transcript NM_001267550.2 (MANE Select); coding-DNA position 89575, G replaced by C.
Protein change: p.Val29859Leu; replaces valine 29859 with leucine.
Molecular consequence: missense variant.
Genome position (GRCh38, 1-based): chr2:178,553,325, C>G on the plus strand (G>C on the coding strand, the complement: TTN is on the minus strand). VCF-style: chr2-178553325-C-G. GRCh37 (hg19) VCF-style: chr2-179418052-C-G.
Other names: c.84652G>C, p.Val28218Leu (NM_001256850.1); c.62380G>C, p.Val20794Leu (NM_003319.4); c.81871G>C, p.Val27291Leu (NM_133378.4); c.62755G>C, p.Val20919Leu (NM_133432.3); c.62956G>C, p.Val20986Leu (NM_133437.4); short protein forms V27291L, V20794L, V20986L, V28218L, V29859L, V20919L.
Identifiers: ClinVar variation 1752364 (VCV001752364.2), dbSNP rs774284668, ClinGen allele CA1987892.
Genomic context (GRCh38, chr2:178,553,325, plus strand): 5'-TCTTCTCATCTTTTCTCCATGTGACAGTAGGTGGAGGTCTGCCTTTAAAGGGAATCAACA[C>G]TTGTACATCTTCACCAGCTTTGGCAATAACAGAAGTTCTGAGAGCCACATCCAGGTCAAT-3'
Protein context (NP_001254479.2, residues 29849-29869): VIAKAGEDVQ[Val29859Leu]LIPFKGRPPP